The following is an entry in ClinVar:

NM_000262.3(NAGA):c.123C>G (p.Asn41Lys)

Genes: NAGA (alpha-N-acetylgalactosaminidase; minus strand), LOC126863160 (CDK7 strongly-dependent group 2 enhancer GRCh37_chr22:42462918-42464117; plus strand). Cytogenetic location: 22q13.2.
Variant type: single nucleotide variant.
Coding change: c.123C>G on transcript NM_000262.3 (MANE Select); coding-DNA position 123, C replaced by G.
Protein change: p.Asn41Lys; replaces asparagine 41 with lysine.
Molecular consequence: missense variant.
Genome position (GRCh38, 1-based): chr22:42,068,468, G>C on the plus strand (C>G on the coding strand, the complement: NAGA is on the minus strand). VCF-style: chr22-42068468-G-C. GRCh37 (hg19) VCF-style: chr22-42464472-G-C.
Other names: c.123C>G, p.Asn41Lys (NM_001362848.1, NM_001362850.1); short protein forms N41K.
Identifiers: ClinVar variation 2015973 (VCV002015973.4), dbSNP rs773254588, ClinGen allele CA10263935.
Genomic context (GRCh38, chr22:42,068,468, plus strand): 5'-GGCTCATCAGGTGAGTGTGGACCTTACTCACCTTATGCAGTTCTTTGGGTCCTCATCACA[G>C]TTAATGTTGCAGCGGAAGCGTTCCCAGGCCAGCCAGCCCATGGGTGGTGTCTGCAGGAGC-3'
Protein context (NP_000253.1, residues 31-51): LAWERFRCNI[Asn41Lys]CDEDPKNCIS

ClinVar aggregate classification (germline): Uncertain significance (1 of 4 stars; one submission).

Conditions:
Alpha-N-acetylgalactosaminidase deficiency type 1. Also called: SCHINDLER DISEASE, TYPE I; ALPHA-N-ACETYLGALACTOSAMINIDASE DEFICIENCY, TYPE I; NAGA DEFICIENCY, TYPE I; NEUROAXONAL DYSTROPHY, SCHINDLER TYPE. Identifiers: Orphanet 3137, Orphanet 79279, Orphanet 79281, MedGen C1836544, MONDO:0012221, OMIM 609241.

Allele frequency attached by ClinVar (database versions not stated): gnomAD exomes below 0.00001; ExAC 0.00001.
gnomAD v4.1: 2 of 1,614,198 alleles (0.00012%); highest among the groups gnomAD compares: Non-Finnish European, 0.000085%; no homozygotes.

Submission:

Labcorp Genetics (formerly Invitae), Labcorp
Classification: Uncertain significance for Alpha-N-acetylgalactosaminidase deficiency type 1. Last evaluated: 2022-07-11. Review status: criteria provided, single submitter. Criteria: Invitae Variant Classification Sherloc (09022015). Collection method: clinical testing. Allele origin: germline.
Comment: This variant has not been reported in the literature in individuals affected with NAGA-related conditions. This variant is present in population databases (rs773254588, gnomAD 0.0009%). This sequence change replaces asparagine, which is neutral and polar, with lysine, which is basic and polar, at codon 41 of the NAGA protein (p.Asn41Lys). Algorithms developed to predict the effect of missense changes on protein structure and function are either unavailable or do not agree on the potential impact of this missense change (SIFT: "Deleterious"; PolyPhen-2: "Benign"; Align-GVGD: "Class C0"). In summary, the available evidence is currently insufficient to determine the role of this variant in disease. Therefore, it has been classified as a Variant of Uncertain Significance.